The following is an entry in ClinVar:

NM_002474.3(MYH11):c.2809_2810del (p.Arg937fs)

Gene: MYH11 (myosin heavy chain 11; minus strand). Cytogenetic location: 16p13.11.
Variant type: Deletion.
Coding change: c.2809_2810del on transcript NM_002474.3 (MANE Select); coding-DNA positions 2809 to 2810, 2 bases deleted (AG; older notation c.2809_2810delAG).
Protein change: p.Arg937fs; shifts the reading frame from arginine 937.
Molecular consequence: frameshift variant.
Genome position (GRCh38, 1-based): chr16:15,741,512-15,741,513, CT deleted on the plus strand (AG on the coding strand, the reverse complement: MYH11 is on the minus strand). VCF-style (leftmost placement, unchanged base first): chr16-15741511-CCT-C. GRCh37 (hg19) VCF-style: chr16-15835368-CCT-C.
Other names: c.2830_2831del, p.Arg944fs (NM_001040113.2, NM_001040114.2); c.2809_2810del, p.Arg937fs (NM_022844.3); short protein forms R944fs, R937fs.
Identifiers: ClinVar variation 211547 (VCV000211547.9), dbSNP rs749497185, ClinGen allele CA277177.

ClinVar aggregate classification (germline): Conflicting classifications of pathogenicity. Review status: criteria provided, conflicting classifications (1 of 4 stars). 3 submissions from 3 submitters: Pathogenic (1); Uncertain significance (1). 1 of the submissions does not count toward it. Last evaluated 2024-05-09.

Conditions:
Megacystis-microcolon-intestinal hypoperistalsis syndrome 2. Identifiers: MedGen C5543476, MONDO:0025708, OMIM 619351.
Aortic aneurysm, familial thoracic 4 (AAT4). Also called: AORTIC ANEURYSM/AORTIC DISSECTION AND PATENT DUCTUS ARTERIOSUS. Identifiers: MedGen C1851504, MONDO:0007568, OMIM 132900.
Familial thoracic aortic aneurysm and aortic dissection (TAAD). Also called: Thoracic aortic aneurysms and dissections. Identifiers: Orphanet 91387, MedGen C4707243, MONDO:0019625.

Allele frequency attached by ClinVar (database versions not stated): gnomAD exomes below 0.00001; ExAC 0.00001.

Submissions (3):

All of Us Research Program, National Institutes of Health
Classification: Uncertain significance for Familial thoracic aortic aneurysm and aortic dissection. Last evaluated: 2024-05-09. Review status: criteria provided, single submitter. Criteria: ACMG Guidelines, 2015. Collection method: clinical testing. Allele origin: germline. Inheritance: Autosomal dominant inheritance. Observed: 2 variant alleles, 2 heterozygotes.
Comment: This study involves interpretation of variants in research participants for the purpose of population health screening. Participant phenotype was not available at the time of variant classification. Additional details can be found in publication PMID: 35346344, PMCID: PMC8962531

Genetic Services Laboratory, University of Chicago
Classification: Pathogenic for Aortic aneurysm, familial thoracic 4. Last evaluated: 2015-06-22. Review status: criteria provided, single submitter. Criteria: ACMG Guidelines, 2015. Collection method: clinical testing. Allele origin: germline. Affected: yes.

OMIM
Classification: Pathogenic for MEGACYSTIS-MICROCOLON-INTESTINAL HYPOPERISTALSIS SYNDROME 2. Last evaluated: 2021-06-01. Review status: no assertion criteria provided. Collection method: literature only. Allele origin: germline. Not counted in ClinVar's aggregate classification.

Literature cited by the submitters: PubMed 29575632 (cited by OMIM).